The following is an entry in ClinVar:

NM_014444.5(TUBGCP4):c.1732-26T>G

Genes: TP53BP1 (tumor protein p53 binding protein 1; minus strand), TUBGCP4 (tubulin gamma complex component 4; plus strand). Cytogenetic location: 15q15.3.
Variant type: single nucleotide variant.
Coding change: c.1732-26T>G on transcript NM_014444.5 (MANE Select); 26 bases into the intron before coding-DNA position 1732, T replaced by G.
Molecular consequence: intron variant. On other transcripts: 3 prime UTR variant (5).
Genome position (GRCh38, 1-based): chr15:43,403,657, T>G. VCF-style: chr15-43403657-T-G. GRCh37 (hg19) VCF-style: chr15-43695855-T-G.
Other names: c.*3726A>C (NM_001141979.3, NM_001141980.3, NM_001355001.2 and 2 more transcripts); c.1735-26T>G (NM_001286414.3).
Identifiers: ClinVar variation 5009399 (VCV005009399.1).

ClinVar aggregate classification (germline): Uncertain significance (1 of 4 stars; one submission).

Submission:

GeneDx
Classification: Uncertain significance. Last evaluated: 2026-03-17. Review status: criteria provided, single submitter. Criteria: GeneDx Variant Classification Process June 2021. Collection method: clinical testing. Allele origin: germline.
Comment: Not observed at significant frequency in large population cohorts (gnomAD); In silico analysis supports a deleterious effect on splicing; Has not been previously published as pathogenic or benign to our knowledge